The following is an entry in ClinVar:

NC_000004.11:g.(?_93225808)_(93511457_?)dup

Gene: GRID2 (glutamate ionotropic receptor delta type subunit 2; plus strand). Cytogenetic location: 4q22.1.
Variant type: Duplication.
Identifiers: ClinVar variation 2424193 (VCV002424193.4).

ClinVar aggregate classification (germline): Uncertain significance (1 of 4 stars; one submission).

Submission:

Labcorp Genetics (formerly Invitae), Labcorp
Classification: Uncertain significance. Last evaluated: 2023-12-11. Review status: criteria provided, single submitter. Criteria: Invitae Variant Classification Sherloc (09022015). Collection method: clinical testing. Allele origin: germline.
Comment: This variant results in a copy number gain of the genomic region encompassing exon(s) 1-2 of the GRID2 gene. This region includes the initiator codon of the gene. This copy number gain extends beyond the assayed region for this gene and therefore may encompass additional genes. As the precise location of this event is unknown, it may be in tandem or it may be located elsewhere in the genome. This variant has not been reported in the literature in individuals affected with GRID2-related conditions. In summary, the available evidence is currently insufficient to determine the role of this variant in disease. Therefore, it has been classified as a Variant of Uncertain Significance.